The following is an entry in ClinVar:

NM_002204.4(ITGA3):c.1883G>A (p.Arg628Gln)

Gene: ITGA3 (integrin subunit alpha 3; plus strand). Cytogenetic location: 17q21.33.
Variant type: single nucleotide variant.
Coding change: c.1883G>A on transcript NM_002204.4 (MANE Select); coding-DNA position 1883, G replaced by A.
Protein change: p.Arg628Gln; replaces arginine 628 with glutamine.
Molecular consequence: missense variant.
Genome position (GRCh38, 1-based): chr17:50,076,642, G>A. VCF-style: chr17-50076642-G-A. GRCh37 (hg19) VCF-style: chr17-48154006-G-A.
Other names: short protein forms R628Q.
Identifiers: ClinVar variation 2059470 (VCV002059470.4), dbSNP rs140781106, ClinGen allele CA8641733.

ClinVar aggregate classification (germline): Uncertain significance. Review status: criteria provided, multiple submitters, no conflicts (2 of 4 stars). 2 submissions from 2 submitters: Uncertain significance (2). Last evaluated 2025-06-12.

Conditions:
Epidermolysis bullosa, junctional 7, with interstitial lung disease and nephrotic syndrome. Also called: Interstitial lung disease, nephrotic syndrome, and epidermolysis bullosa, congenital; Interstitial Lung Disease with Nephrotic Syndrome and Epidermolysis Bullosa. Identifiers: Orphanet 306504, MedGen C4518785, MONDO:0013881, OMIM 614748.

Allele frequency attached by ClinVar (database versions not stated): ExAC 0.00003; ESP Exome Variant Server 0.00008; gnomAD 0.00011; TOPMed 0.00012.
gnomAD v4.1: 35 of 1,613,538 alleles (0.0022%); highest among the groups gnomAD compares: African/African-American, 0.032%; no homozygotes.

Submissions (2):

Labcorp Genetics (formerly Invitae), Labcorp
Classification: Uncertain significance. Last evaluated: 2025-06-12. Review status: criteria provided, single submitter. Criteria: Invitae Variant Classification Sherloc (09022015). Collection method: clinical testing. Allele origin: germline.
Comment: This sequence change replaces arginine, which is basic and polar, with glutamine, which is neutral and polar, at codon 628 of the ITGA3 protein (p.Arg628Gln). This variant is present in population databases (rs140781106, gnomAD 0.04%). This variant has not been reported in the literature in individuals affected with ITGA3-related conditions. ClinVar contains an entry for this variant (Variation ID: 2059470). Invitae Evidence Modeling of protein sequence and biophysical properties (such as structural, functional, and spatial information, amino acid conservation, physicochemical variation, residue mobility, and thermodynamic stability) indicates that this missense variant is not expected to disrupt ITGA3 protein function with a negative predictive value of 80%. Experimental studies have shown that this missense change does not substantially affect ITGA3 function (PMID: 24220332). In summary, the available evidence is currently insufficient to determine the role of this variant in disease. Therefore, it has been classified as a Variant of Uncertain Significance.

Fulgent Genetics
Classification: Uncertain significance for Epidermolysis bullosa, junctional 7, with interstitial lung disease and nephrotic syndrome. Last evaluated: 2024-02-28. Review status: criteria provided, single submitter. Criteria: ACMG Guidelines, 2015. Collection method: clinical testing. Allele origin: germline.

Literature cited by the submitters: PubMed 24220332 (cited by Labcorp Genetics (formerly Invitae), Labcorp).